The following is an entry in ClinVar:

NM_000069.3(CACNA1S):c.4436C>T (p.Thr1479Met)

Gene: CACNA1S (calcium voltage-gated channel subunit alpha1 S; minus strand). Cytogenetic location: 1q32.1.
Variant type: single nucleotide variant.
Coding change: c.4436C>T on transcript NM_000069.3 (MANE Select); coding-DNA position 4436, C replaced by T.
Protein change: p.Thr1479Met; replaces threonine 1479 with methionine.
Molecular consequence: missense variant.
Genome position (GRCh38, 1-based): chr1:201,048,587, G>A on the plus strand (C>T on the coding strand, the complement: CACNA1S is on the minus strand). VCF-style: chr1-201048587-G-A. GRCh37 (hg19) VCF-style: chr1-201017715-G-A.
Other names: c.4436C>T (NM_000069.2); short protein forms T1479M.
Identifiers: ClinVar variation 1504357 (VCV001504357.9), dbSNP rs780785403, ClinGen allele CA083346.

ClinVar aggregate classification (germline): Conflicting classifications of pathogenicity. Review status: criteria provided, conflicting classifications (1 of 4 stars). 5 submissions from 5 submitters: Uncertain significance (4); Likely benign (1). Last evaluated 2025-10-07.

Conditions:
Hypokalemic periodic paralysis, type 1. Also called: HypoPP; Hypokalemic Periodic Paralysis Type 1 (AD). Identifiers: Orphanet 681, MedGen C3714580, MONDO:0042979, OMIM 170400.
Malignant hyperthermia, susceptibility to, 5 (MHS5). Also called: CACNA1S-Related Malignant Hyperthermia Susceptibility. Identifiers: Orphanet 423, MedGen C1866077, MONDO:0011163, OMIM 601887.
Inborn genetic diseases. Identifiers: MedGen C0950123, MeSH D030342.
Thyrotoxic periodic paralysis, susceptibility to, 1 (TTPP1). Identifiers: Orphanet 79102, MedGen C2749982, MONDO:0008570, OMIM 188580.
Congenital myopathy 18. Also called: DIHYDROPYRIDINE RECEPTOR CONGENITAL MYOPATHY; DHPR CONGENITAL MYOPATHY; Myopathy, congenital, due to dihydropyridine receptor defect. Identifiers: MedGen C5830283, MONDO:0859514, OMIM 620246.

Allele frequency attached by ClinVar (database versions not stated): ExAC 0.00001; gnomAD 0.00003; gnomAD exomes 0.00003 and 0.00001; TOPMed 0.00003.
gnomAD v4.1: 19 of 1,612,752 alleles (0.0012%); highest among the groups gnomAD compares: Admixed American, 0.0083%; 1 homozygote.

Submissions (5):

Labcorp Genetics (formerly Invitae), Labcorp
Classification: Likely benign for Hypokalemic periodic paralysis, type 1; Malignant hyperthermia, susceptibility to, 5. Last evaluated: 2025-10-07. Review status: criteria provided, single submitter. Criteria: Invitae Variant Classification Sherloc (09022015). Collection method: clinical testing. Allele origin: germline.

Color Diagnostics, LLC DBA Color Health
Classification: Uncertain significance for Malignant hyperthermia, susceptibility to, 5. Last evaluated: 2025-06-17. Review status: criteria provided, single submitter. Criteria: ACMG Guidelines, 2015. Collection method: clinical testing. Allele origin: germline.
Comment: This missense variant replaces threonine with methionine at codon 1479 of the CACNA1S protein. Computational prediction suggests that this variant may not impact protein structure and function. To our knowledge, functional studies have not been reported for this variant. This variant has not been reported in individuals affected with CACNA1S-related disorders in the literature. This variant has been identified in 8/282632 chromosomes in the general population by the Genome Aggregation Database (gnomAD). The available evidence is insufficient to determine the role of this variant in disease conclusively. Therefore, this variant is classified as a Variant of Uncertain Significance.

GeneDx
Classification: Uncertain significance. Last evaluated: 2025-03-05. Review status: criteria provided, single submitter. Criteria: GeneDx Variant Classification Process June 2021. Collection method: clinical testing. Allele origin: germline. Affected: yes.
Comment: In silico analysis supports that this missense variant has a deleterious effect on protein structure/function; Has not been previously published as pathogenic or benign to our knowledge

Ambry Genetics
Classification: Uncertain significance for Inborn genetic diseases. Last evaluated: 2025-02-20. Review status: criteria provided, single submitter. Criteria: Ambry Variant Classification Scheme 2023. Collection method: clinical testing. Allele origin: germline.

Fulgent Genetics
Classification: Uncertain significance for Hypokalemic periodic paralysis, type 1; Thyrotoxic periodic paralysis, susceptibility to, 1; Malignant hyperthermia, susceptibility to, 5; Congenital myopathy 18. Last evaluated: 2024-05-23. Review status: criteria provided, single submitter. Criteria: ACMG Guidelines, 2015. Collection method: clinical testing. Allele origin: germline.